The following is an entry in ClinVar:

NM_020754.4(ARHGAP31):c.3363T>A (p.Phe1121Leu)

Gene: ARHGAP31 (Rho GTPase activating protein 31; plus strand). Cytogenetic location: 3q13.33.
Variant type: single nucleotide variant.
Coding change: c.3363T>A on transcript NM_020754.4 (MANE Select); coding-DNA position 3363, T replaced by A.
Protein change: p.Phe1121Leu; replaces phenylalanine 1121 with leucine.
Molecular consequence: missense variant.
Genome position (GRCh38, 1-based): chr3:119,415,292, T>A. VCF-style: chr3-119415292-T-A. GRCh37 (hg19) VCF-style: chr3-119134139-T-A.
Other names: short protein forms F1121L.
Identifiers: ClinVar variation 2995520 (VCV002995520.3), dbSNP rs2080764193, ClinGen allele CA354058246.

ClinVar aggregate classification (germline): Uncertain significance (1 of 4 stars; one submission).

Allele frequency attached by ClinVar (database versions not stated): gnomAD exomes below 0.00001; TOPMed below 0.00001.
gnomAD v4.1: 6 of 1,614,166 alleles (0.00037%); highest among the groups gnomAD compares: East Asian, 0.0045%; no homozygotes.

Submission:

Labcorp Genetics (formerly Invitae), Labcorp
Classification: Uncertain significance. Last evaluated: 2024-10-15. Review status: criteria provided, single submitter. Criteria: Invitae Variant Classification Sherloc (09022015). Collection method: clinical testing. Allele origin: germline.
Comment: This sequence change replaces phenylalanine, which is neutral and non-polar, with leucine, which is neutral and non-polar, at codon 1121 of the ARHGAP31 protein (p.Phe1121Leu). This variant is not present in population databases (gnomAD no frequency). This variant has not been reported in the literature in individuals affected with ARHGAP31-related conditions. An algorithm developed to predict the effect of missense changes on protein structure and function outputs the following: PolyPhen-2: "Benign". The leucine amino acid residue is found in multiple mammalian species, which suggests that this missense change does not adversely affect protein function. In summary, the available evidence is currently insufficient to determine the role of this variant in disease. Therefore, it has been classified as a Variant of Uncertain Significance.